The following is an entry in ClinVar:

NM_007055.4(POLR3A):c.4138G>T (p.Asp1380Tyr)

Gene: POLR3A (RNA polymerase III subunit A; minus strand). Cytogenetic location: 10q22.3.
Variant type: single nucleotide variant.
Coding change: c.4138G>T on transcript NM_007055.4 (MANE Select); coding-DNA position 4138, G replaced by T.
Protein change: p.Asp1380Tyr; replaces aspartic acid 1380 with tyrosine.
Molecular consequence: missense variant.
Genome position (GRCh38, 1-based): chr10:77,977,513, C>A on the plus strand (G>T on the coding strand, the complement: POLR3A is on the minus strand). VCF-style: chr10-77977513-C-A. GRCh37 (hg19) VCF-style: chr10-79737271-C-A.
Other names: short protein forms D1380Y.
Identifiers: ClinVar variation 4526643 (VCV004526643.1).

ClinVar aggregate classification (germline): Uncertain significance (1 of 4 stars; one submission).

Conditions:
POLR3A-related neuropathy.

Submission:

Regional Center For Medical Genetics Timis, Louis Turcanu Emergency Hospital for Children Timisoara
Classification: Uncertain significance for POLR3A-related neuropathy. Last evaluated: 2025-06-20. Review status: criteria provided, single submitter. Criteria: ACMG Guidelines, 2015. Collection method: clinical testing. Allele origin: germline. Affected: yes.
Comment: The variant is absent from the presumed healthy population (gnomAD). In silico predictions support pathogenicity (REVEL score = 0.699). To our knowledge, this variant has not been previously reported in the literature. Based on the available evidence, this variant is classified as of uncertain significance (VUS).